The following is an entry in ClinVar:

ClinVar aggregate classification (germline): Conflicting classifications of pathogenicity. Review status: criteria provided, conflicting classifications (1 of 4 stars). 10 submissions from 10 submitters: Uncertain significance (1); Benign (3); Likely benign (4). 2 of the submissions do not count toward it. Last evaluated 2026-02-02.

Conditions:
CTSD-related disorder. Also called: CTSD-related condition.
Inborn genetic diseases. Identifiers: MedGen C0950123, MeSH D030342.
Neuronal ceroid lipofuscinosis. Also called: Neuronal Ceroid Lipofuscinoses. Identifiers: Orphanet 216, Orphanet 79263, MedGen C0027877, MONDO:0016295. Disease mechanism: loss of function.
Neuronal ceroid lipofuscinosis 10 (CLN10). Also called: NEURONAL CEROID LIPOFUSCINOSIS DUE TO CATHEPSIN D DEFICIENCY; CTSD-Related Neuronal Ceroid-Lipofuscinosis. Identifiers: Orphanet 228337, MedGen C1864669, MONDO:0012414, OMIM 610127.

Allele frequency attached by ClinVar (database versions not stated): TOPMed 0.00025; ESP Exome Variant Server 0.00046; gnomAD 0.00197.

Submissions (10):

Labcorp Genetics (formerly Invitae), Labcorp
Classification: Benign for Neuronal ceroid lipofuscinosis. Last evaluated: 2026-02-02. Review status: criteria provided, single submitter. Criteria: Invitae Variant Classification Sherloc (09022015). Collection method: clinical testing. Allele origin: germline.

PreventionGenetics, part of Exact Sciences
Classification: Likely benign for CTSD-related condition. Last evaluated: 2025-05-28. Review status: criteria provided, single submitter. Criteria: ACMG Guidelines, 2015. Collection method: clinical testing. Allele origin: germline.
Comment: This variant is classified as likely benign based on ACMG/AMP sequence variant interpretation guidelines (Richards et al. 2015 PMID: 25741868, with internal and published modifications).

Blueprint Genetics
Classification: Likely benign. Last evaluated: 2024-11-07. Review status: criteria provided, single submitter. Criteria: ACMG Guidelines, 2015. Collection method: clinical testing. Allele origin: germline.

CeGaT Center for Human Genetics Tuebingen
Classification: Likely benign. Last evaluated: 2022-10-01. Review status: criteria provided, single submitter. Criteria: CeGaT Center For Human Genetics Tuebingen Variant Classification Criteria Version 2. Collection method: clinical testing. Allele origin: germline. Affected: yes. Observed: 1 variant allele.
Comment: CTSD: BP4, BP7

Illumina Laboratory Services, Illumina
Classification: Uncertain significance for Neuronal ceroid lipofuscinosis 10. Last evaluated: 2018-01-13. Review status: criteria provided, single submitter. Criteria: ICSL Variant Classification Criteria 13 December 2019. Collection method: clinical testing. Allele origin: germline.

Ambry Genetics
Classification: Benign for Inborn genetic diseases. Last evaluated: 2017-10-17. Review status: criteria provided, single submitter. Criteria: Ambry Variant Classification Scheme 2023. Collection method: clinical testing. Allele origin: germline.

Clinical Genetics DNA and cytogenetics Diagnostics Lab, Erasmus MC, Erasmus Medical Center
Classification: Likely benign for Neuronal ceroid lipofuscinosis 10. Last evaluated: 2017-06-28. Review status: criteria provided, single submitter. Criteria: ACGS Guidelines, 2013. Collection method: clinical testing. Allele origin: germline. Affected: yes. Study: VKGL Data-share Consensus.

GeneDx
Classification: Benign. Last evaluated: 2013-11-19. Review status: criteria provided, single submitter. Criteria: GeneDx Variant Classification (06012015). Collection method: clinical testing. Allele origin: germline. Affected: yes.
Comment: This variant is considered likely benign or benign based on one or more of the following criteria: it is a conservative change, it occurs at a poorly conserved position in the protein, it is predicted to be benign by multiple in silico algorithms, and/or has population frequency not consistent with disease.

Genome Diagnostics Laboratory, Amsterdam University Medical Center
Classification: Likely benign for Neuronal ceroid lipofuscinosis 10. Last evaluated: 2016-11-24. Review status: no assertion criteria provided. Criteria: ACGS Guidelines, 2013. Collection method: clinical testing. Allele origin: germline. Affected: yes. Study: VKGL Data-share Consensus. Not counted in ClinVar's aggregate classification.

Mayo Clinic Laboratories, Mayo Clinic
Classification: Likely benign. Last evaluated: 2015-12-16. Review status: no assertion criteria provided. Collection method: clinical testing. Allele origin: unknown. Not counted in ClinVar's aggregate classification.

NM_001909.5(CTSD):c.639C>G (p.Pro213=)

Gene: CTSD (cathepsin D; minus strand). Cytogenetic location: 11p15.5.
Variant type: single nucleotide variant.
Coding change: c.639C>G on transcript NM_001909.5 (MANE Select); coding-DNA position 639, C replaced by G.
Protein change: p.Pro213=; no amino-acid change (proline 213 retained).
Molecular consequence: synonymous variant.
Genome position (GRCh38, 1-based): chr11:1,757,389, G>C on the plus strand (C>G on the coding strand, the complement: CTSD is on the minus strand). VCF-style: chr11-1757389-G-C. GRCh37 (hg19) VCF-style: chr11-1778619-G-C.
Other names: p.P213P:CCC>CCG.
Identifiers: ClinVar variation 137060 (VCV000137060.51), dbSNP rs146073498, ClinGen allele CA290555.